The following is an entry in ClinVar:

NM_015443.4(KANSL1):c.1227G>A (p.Gly409=)

Gene: KANSL1 (KAT8 regulatory NSL complex subunit 1). Cytogenetic location: 17q21.31.
Variant type: single nucleotide variant.
Coding change: c.1227G>A on transcript NM_015443.4 (MANE Select); coding-DNA position 1227, G replaced by A.
Protein change: p.Gly409=; no amino-acid change (glycine 409 retained).
Molecular consequence: synonymous variant.
Genome position (GRCh38, 1-based): chr17:46,170,917, C>T on the plus strand (G>A on the coding strand, the complement: KANSL1 is on the minus strand). VCF-style: chr17-46170917-C-T. GRCh37 (hg19) VCF-style: chr17-44248283-C-T.
Other names: c.1227G>A, p.Gly409= (NM_001193465.2, NM_001193466.2, NM_001379198.1).
Identifiers: ClinVar variation 387307 (VCV000387307.1), dbSNP rs759914607, ClinGen allele CA8618877.

ClinVar aggregate classification (germline): Likely benign (1 of 4 stars; one submission).

Allele frequency attached by ClinVar (database versions not stated): gnomAD exomes 0.00001; TOPMed below 0.00001; ExAC 0.00001.

Submission:

GeneDx
Classification: Likely benign. Last evaluated: 2016-06-30. Review status: criteria provided, single submitter. Criteria: GeneDx Variant Classification (06012015). Collection method: clinical testing. Allele origin: germline. Affected: yes.
Comment: This variant is considered likely benign or benign based on one or more of the following criteria: it is a conservative change, it occurs at a poorly conserved position in the protein, it is predicted to be benign by multiple in silico algorithms, and/or has population frequency not consistent with disease.